The following is an entry in ClinVar:

NM_000059.4(BRCA2):c.5197_5198dup (p.Glu1734fs)

Gene: BRCA2 (BRCA2 DNA repair associated; plus strand). Cytogenetic location: 13q13.1.
Variant type: Microsatellite.
Coding change: c.5197_5198dup on transcript NM_000059.4 (MANE Select); coding-DNA positions 5197 to 5198, 2 bases duplicated (TC; older notation c.5197_5198dupTC).
Protein change: p.Glu1734fs; shifts the reading frame from glutamic acid 1734.
Molecular consequence: frameshift variant. On other transcripts: non-coding transcript variant (1), intron variant (2).
Genome position (GRCh38, 1-based): chr13:32,339,552-32,339,553, TC duplicated; duplicating any 2 consecutive bases within chr13:32,339,548-32,339,553 gives the same sequence; the c. name uses the placement nearest the transcript's 3' end. VCF-style (leftmost placement, unchanged base first): chr13-32339547-A-ATC. GRCh37 (hg19) VCF-style: chr13-32913684-A-ATC.
Other names: c.5197_5198dup, p.Glu1734fs (NM_001406719.1, NM_001406720.1); c.1910-5010TC[4] (NM_001406721.1); c.425-5010TC[4] (NM_001406722.1); short protein forms E1734fs.
Identifiers: ClinVar variation 2756460 (VCV002756460.3), dbSNP rs876660228, ClinGen allele CA2697551794.

ClinVar aggregate classification (germline): Pathogenic (1 of 4 stars; one submission).

Conditions:
Hereditary breast ovarian cancer syndrome. Also called: Hereditary breast and ovarian cancer syndrome (HBOC); Hereditary breast and/or ovarian cancer syndrome; Hereditary breast and ovarian cancer syndrome; Breast and ovarian cancer; Hereditary breast and ovarian cancer; BRCA1- and BRCA2-Associated Hereditary Breast and Ovarian Cancer. Identifiers: Orphanet 145, MedGen C0677776, MeSH D061325, MONDO:0003582. Disease mechanism: loss of function.

Submission:

Labcorp Genetics (formerly Invitae), Labcorp
Classification: Pathogenic for Hereditary breast ovarian cancer syndrome. Last evaluated: 2024-07-11. Review status: criteria provided, single submitter. Criteria: Invitae Variant Classification Sherloc (09022015). Collection method: clinical testing. Allele origin: germline.
Comment: This sequence change creates a premature translational stop signal (p.Glu1734Profs*8) in the BRCA2 gene. It is expected to result in an absent or disrupted protein product. Loss-of-function variants in BRCA2 are known to be pathogenic (PMID: 20104584). This variant is not present in population databases (gnomAD no frequency). This variant has not been reported in the literature in individuals affected with BRCA2-related conditions. For these reasons, this variant has been classified as Pathogenic.

Literature cited by the submitters: PubMed 20104584.